The following is an entry in ClinVar:

NM_000059.4(BRCA2):c.8191C>T (p.Gln2731Ter)

Gene: BRCA2 (BRCA2 DNA repair associated; plus strand). Cytogenetic location: 13q13.1.
Variant type: single nucleotide variant.
Coding change: c.8191C>T on transcript NM_000059.4 (MANE Select); coding-DNA position 8191, C replaced by T.
Protein change: p.Gln2731Ter; replaces glutamine 2731 with a stop codon.
Molecular consequence: nonsense.
Genome position (GRCh38, 1-based): chr13:32,363,393, C>T. VCF-style: chr13-32363393-C-T. GRCh37 (hg19) VCF-style: chr13-32937530-C-T.
Other names: short protein forms Q2731*.
Identifiers: ClinVar variation 52525 (VCV000052525.8), dbSNP rs397507966, ClinGen allele CA025503.

ClinVar aggregate classification (germline): Pathogenic. Review status: reviewed by expert panel (3 of 4 stars). 5 submissions from 5 submitters: Pathogenic (1). 4 of the submissions do not count toward it. Last evaluated 2017-12-15.

Conditions:
Hereditary cancer-predisposing syndrome. Also called: Neoplastic Syndromes, Hereditary; Tumor predisposition; Hereditary neoplastic syndrome; Hereditary Cancer Syndrome. Identifiers: Orphanet 140162, MedGen C0027672, MeSH D009386, MONDO:0015356.
Familial cancer of breast. Also called: BREAST CANCER, FAMILIAL; Hereditary breast cancer; hereditary breast carcinoma. Identifiers: Orphanet 227535, MedGen C0346153, MONDO:0016419, OMIM 114480. Disease mechanism: loss of function.
Breast-ovarian cancer, familial, susceptibility to, 2 (BROVCA2). Also called: BRCA2 Hereditary Breast and Ovarian Cancer. Identifiers: Orphanet 145, MedGen C2675520, MONDO:0012933, OMIM 612555. Disease mechanism: loss of function.

Submissions (5):

Evidence-based Network for the Interpretation of Germline Mutant Alleles (ENIGMA)
Classification: Pathogenic for Breast-ovarian cancer, familial, susceptibility to, 2. Last evaluated: 2017-12-15. Review status: reviewed by expert panel. Criteria: ENIGMA BRCA1/2 Classification Criteria (2017-06-29). Collection method: curation. Allele origin: germline. Study: ENIGMA.
Comment: Variant allele predicted to encode a truncated non-functional protein.

Ambry Genetics
Classification: Pathogenic for Hereditary cancer-predisposing syndrome. Last evaluated: 2023-03-10. Review status: criteria provided, single submitter. Criteria: Ambry Variant Classification Scheme 2023. Collection method: clinical testing. Allele origin: germline. Not counted in ClinVar's aggregate classification.
Comment: The p.Q2731* pathogenic mutation (also known as c.8191C>T), located in coding exon 17 of the BRCA2 gene, results from a C to T substitution at nucleotide position 8191. This changes the amino acid from a glutamine to a stop codon within coding exon 17. This alteration was identified in 1 of 75 Polish breast cancer patients undergoing somatic BRCA1/2 testing with confirmatory germline testing (Szczerba E et al. Genes (Basel), 2021 Apr;12:). This variant is considered to be rare based on population cohorts in the Genome Aggregation Database (gnomAD). In addition to the clinical data presented in the literature, this alteration is expected to result in loss of function by premature protein truncation or nonsense-mediated mRNA decay. As such, this alteration is interpreted as a disease-causing mutation.

Color Diagnostics, LLC DBA Color Health
Classification: Pathogenic for Hereditary cancer-predisposing syndrome. Last evaluated: 2022-08-08. Review status: criteria provided, single submitter. Criteria: ACMG Guidelines, 2015. Collection method: clinical testing. Allele origin: germline. Not counted in ClinVar's aggregate classification.
Comment: This variant changes 1 nucleotide in exon 18 of the BRCA2 gene, creating a premature translation stop signal. This variant is expected to result in an absent or non-functional protein product. This variant has been reported in an individual affected with breast cancer (PMID: 33918338). This variant has not been identified in the general population by the Genome Aggregation Database (gnomAD). Loss of BRCA2 function is a known mechanism of disease. Based on the available evidence, this variant is classified as Pathogenic.

GeneDx
Classification: Pathogenic. Last evaluated: 2016-12-08. Review status: criteria provided, single submitter. Criteria: GeneDx Variant Classification (06012015). Collection method: clinical testing. Allele origin: germline. Affected: yes. Not counted in ClinVar's aggregate classification.
Comment: This variant is denoted BRCA2 c.8191C>T at the cDNA level and p.Gln2731Ter (Q2731X) at the protein level. The substitution creates a nonsense variant, which changes a Glutamine to a premature stop codon (CAG>TAG), and is predicted to cause loss of normal protein function through either protein truncation or nonsense-mediated mRNA decay. Although this variant, also known as BRCA2 8419C>T using alternate nomenclature, has not, to our knowledge, been reported in the literature, it is considered pathogenic.

ClinVar Staff, National Center for Biotechnology Information (NCBI)
No classification provided. Condition: Familial cancer of breast. Review status: no classification provided. Collection method: literature only. Allele origin: germline. Affected: yes. Not counted in ClinVar's aggregate classification.

Literature cited by the submitters: PubMed 33918338 (cited by Ambry Genetics and Color Diagnostics, LLC DBA Color Health); PubMed 20858050 (cited by ClinVar Staff, National Center for Biotechnology Information (NCBI)).